The following is an entry in ClinVar:

ClinVar aggregate classification (germline): Uncertain significance (1 of 4 stars; one submission).

Submission:

Labcorp Genetics (formerly Invitae), Labcorp
Classification: Uncertain significance. Last evaluated: 2023-06-15. Review status: criteria provided, single submitter. Criteria: Invitae Variant Classification Sherloc (09022015). Collection method: clinical testing. Allele origin: germline.
Comment: This variant is not present in population databases (gnomAD no frequency). This variant, c.238_240del, results in the deletion of 1 amino acid(s) of the POLD2 protein (p.Ser80del), but otherwise preserves the integrity of the reading frame. This variant has not been reported in the literature in individuals affected with POLD2-related conditions. Experimental studies and prediction algorithms are not available or were not evaluated, and the functional significance of this variant is currently unknown. In summary, the available evidence is currently insufficient to determine the role of this variant in disease. Therefore, it has been classified as a Variant of Uncertain Significance.

NM_006230.4(POLD2):c.133_135del (p.Ser45del)

Gene: POLD2 (DNA polymerase delta 2, accessory subunit; minus strand). Cytogenetic location: 7p13.
Variant type: Deletion.
Coding change: c.133_135del on transcript NM_006230.4 (MANE Select); coding-DNA positions 133 to 135, 3 bases deleted (AGC; older notation c.133_135delAGC).
Protein change: p.Ser45del; deletes serine 45.
Molecular consequence: inframe deletion.
Genome position (GRCh38, 1-based): chr7:44,121,919-44,121,921, GCT deleted on the plus strand (AGC on the coding strand, the reverse complement: POLD2 is on the minus strand); deleting any 3 consecutive bases within chr7:44,121,919-44,121,923 gives the same sequence; the c. name uses the placement nearest the transcript's 3' end. VCF-style (leftmost placement, unchanged base first): chr7-44121918-AGCT-A. GRCh37 (hg19) VCF-style: chr7-44161517-AGCT-A.
Other names: c.133_135del, p.Ser45del (NM_001256879.2, NM_001127218.3); short protein forms S45del.
Identifiers: ClinVar variation 2878604 (VCV002878604.3), dbSNP rs1296464248, ClinGen allele CA838775600.